The following is an entry in ClinVar:

NM_001122764.3(PPOX):c.1097C>T (p.Thr366Ile)

Gene: PPOX (protoporphyrinogen oxidase; plus strand). Cytogenetic location: 1q23.3.
Variant type: single nucleotide variant.
Coding change: c.1097C>T on transcript NM_001122764.3 (MANE Select); coding-DNA position 1097, C replaced by T.
Protein change: p.Thr366Ile; replaces threonine 366 with isoleucine.
Molecular consequence: missense variant. On other transcripts: intron variant (1).
Genome position (GRCh38, 1-based): chr1:161,170,518, C>T. VCF-style: chr1-161170518-C-T. GRCh37 (hg19) VCF-style: chr1-161140308-C-T.
Other names: c.1097C>T, p.Thr366Ile (NM_000309.5, NM_001365398.1); c.998C>T, p.Thr333Ile (NM_001350128.2); c.689C>T, p.Thr230Ile (NM_001350129.2, NM_001365400.1); c.611C>T, p.Thr204Ile (NM_001350130.2, NM_001350131.2, NM_001365401.1); c.988-102C>T (NM_001365399.1); short protein forms T230I, T333I, T204I, T366I.
Identifiers: ClinVar variation 2856367 (VCV002856367.3), dbSNP rs2525343102, ClinGen allele CA343357464.

ClinVar aggregate classification (germline): Uncertain significance (1 of 4 stars; one submission).

Submission:

Labcorp Genetics (formerly Invitae), Labcorp
Classification: Uncertain significance. Last evaluated: 2023-09-05. Review status: criteria provided, single submitter. Criteria: Invitae Variant Classification Sherloc (09022015). Collection method: clinical testing. Allele origin: germline.
Comment: In summary, the available evidence is currently insufficient to determine the role of this variant in disease. Therefore, it has been classified as a Variant of Uncertain Significance. An algorithm developed to predict the effect of missense changes on protein structure and function (PolyPhen-2) suggests that this variant is likely to be disruptive. This variant has not been reported in the literature in individuals affected with PPOX-related conditions. This variant is not present in population databases (gnomAD no frequency). This sequence change replaces threonine, which is neutral and polar, with isoleucine, which is neutral and non-polar, at codon 366 of the PPOX protein (p.Thr366Ile).